The following is an entry in ClinVar:

ClinVar aggregate classification (germline): Likely pathogenic. Review status: criteria provided, multiple submitters, no conflicts (2 of 4 stars). 5 submissions from 5 submitters: Likely pathogenic (4). 1 of the submissions does not count toward it. Last evaluated 2023-11-05.

Conditions:
Alzheimer disease 3 (AD3). Also called: ALZHEIMER DISEASE, FAMILIAL, 3. Identifiers: Orphanet 1020, MedGen C1843013, MONDO:0011913, OMIM 607822.
Pick disease. Also called: PICK DISEASE OF BRAIN; DEMENTIA WITH LOBAR ATROPHY AND NEURONAL CYTOPLASMIC INCLUSIONS; LOBAR ATROPHY OF BRAIN; Pick's disease; Pick Disease of the Brain. Identifiers: Orphanet 282, MedGen C0236642, MONDO:0008243, OMIM 172700.
Frontotemporal dementia (FTD1). Also called: FRONTOTEMPORAL DEMENTIA WITH PARKINSONISM; FRONTOTEMPORAL LOBE DEMENTIA; MULTIPLE SYSTEM TAUOPATHY WITH PRESENILE DEMENTIA; Frontotemporal Dementia with Parkinsonism-17 (FTDP-17); WILHELMSEN-LYNCH DISEASE; Dementia, frontotemporal, with or without parkinsonism. Identifiers: Orphanet 282, MedGen C0338451, MONDO:0017276, OMIM 600274, HP:0002145.
Acne inversa, familial, 3 (ACNINV3). Identifiers: MedGen C3151038, MONDO:0013398, OMIM 613737.
PSEN1-related disorder. Also called: PSEN1-related condition.

Allele frequency attached by ClinVar (database versions not stated): gnomAD exomes below 0.00001.

Submissions (5):

Labcorp Genetics (formerly Invitae), Labcorp
Classification: Likely pathogenic for Alzheimer disease 3; Pick disease; Acne inversa, familial, 3; Frontotemporal dementia. Last evaluated: 2023-11-05. Review status: criteria provided, single submitter. Criteria: Invitae Variant Classification Sherloc (09022015). Collection method: clinical testing. Allele origin: germline.
Comment: This sequence change replaces proline, which is neutral and non-polar, with leucine, which is neutral and non-polar, at codon 267 of the PSEN1 protein (p.Pro267Leu). This variant is not present in population databases (gnomAD no frequency). This missense change has been observed in individual(s) with early-onset Alzheimer disease (PMID: 12817569, 15094846; Invitae). ClinVar contains an entry for this variant (Variation ID: 98081). Advanced modeling of protein sequence and biophysical properties (such as structural, functional, and spatial information, amino acid conservation, physicochemical variation, residue mobility, and thermodynamic stability) performed at Invitae indicates that this missense variant is expected to disrupt PSEN1 protein function with a positive predictive value of 80%. This variant disrupts the p.Pro267 amino acid residue in PSEN1. Other variant(s) that disrupt this residue have been observed in individuals with PSEN1-related conditions (PMID: 7550356, 26888304, 27777022), which suggests that this may be a clinically significant amino acid residue. In summary, the currently available evidence indicates that the variant is pathogenic, but additional data are needed to prove that conclusively. Therefore, this variant has been classified as Likely Pathogenic.

Blueprint Genetics
Classification: Likely pathogenic for PSEN1-related disorders. Last evaluated: 2022-08-24. Review status: criteria provided, single submitter. Criteria: ACMG Guidelines, 2015. Collection method: clinical testing. Allele origin: germline. Affected: yes. Observed: 3 variant alleles.

Women's Health and Genetics/Laboratory Corporation of America, LabCorp
Classification: Likely pathogenic for Alzheimer disease 3. Last evaluated: 2022-08-11. Review status: criteria provided, single submitter. Criteria: LabCorp Variant Classification Summary - May 2015. Collection method: clinical testing. Allele origin: germline.
Comment: Variant summary: PSEN1 c.800C>T (p.Pro267Leu) results in a non-conservative amino acid change in the encoded protein sequence. Several mutations associated with very early onset of disease involve a proline residue, suggesting that these mutations may drastically alter the conformation of the presenilin protein by the substitution of hydrophobic and hydrophilic amino acids (as cited in Larner_2006). Five of five in-silico tools predict a damaging effect of the variant on protein function. The variant was absent in 250768 control chromosomes. c.800C>T has been reported in the literature in at-least one individual affected with Early onset Alzheimer Disease who continues to be cited by others (example, Larner_2003). At least one publication reports experimental evidence evaluating an impact on protein function, however, does not allow convincing conclusions about the variant effect as primary data are not provided (Ben-Gedalya_2015). One clinical diagnostic laboratory has submitted clinical-significance assessments for this variant to ClinVar after 2014 without evidence for independent evaluation and classified the variant as likely pathogenic. Based on the evidence outlined above, the variant was classified as likely pathogenic.

Molecular Diagnostics Laboratory, M Health Fairview: University of Minnesota
Classification: Likely pathogenic for Alzheimer disease 3. Last evaluated: 2020-06-12. Review status: criteria provided, single submitter. Criteria: ACMG Guidelines, 2015. Collection method: clinical testing. Allele origin: germline. Affected: yes.

VIB  Department of Molecular Genetics, University of Antwerp
No classification provided. Review status: no classification provided. Collection method: not provided. Allele origin: not provided. Not counted in ClinVar's aggregate classification.

Literature cited by the submitters: PubMed 12817569 (cited by Labcorp Genetics (formerly Invitae), Labcorp and Women's Health and Genetics/Laboratory Corporation of America, LabCorp); PubMed 15094846 (cited by Labcorp Genetics (formerly Invitae), Labcorp); PubMed 7550356 (cited by Labcorp Genetics (formerly Invitae), Labcorp); PubMed 26888304 (cited by Labcorp Genetics (formerly Invitae), Labcorp and Women's Health and Genetics/Laboratory Corporation of America, LabCorp); PubMed 27777022 (cited by Labcorp Genetics (formerly Invitae), Labcorp); PubMed 26438723 (cited by Women's Health and Genetics/Laboratory Corporation of America, LabCorp); PubMed 16267640 (cited by Women's Health and Genetics/Laboratory Corporation of America, LabCorp).

NM_000021.4(PSEN1):c.800C>T (p.Pro267Leu)

Gene: PSEN1 (presenilin 1; plus strand). Cytogenetic location: 14q24.2.
Variant type: single nucleotide variant.
Coding change: c.800C>T on transcript NM_000021.4 (MANE Select); coding-DNA position 800, C replaced by T.
Protein change: p.Pro267Leu; replaces proline 267 with leucine.
Molecular consequence: missense variant.
Genome position (GRCh38, 1-based): chr14:73,198,061, C>T. VCF-style: chr14-73198061-C-T. GRCh37 (hg19) VCF-style: chr14-73664769-C-T.
Other names: c.788C>T, p.Pro263Leu (NM_007318.3); short protein forms P267L, P263L.
Identifiers: ClinVar variation 98081 (VCV000098081.9), dbSNP rs63750779, ClinGen allele CA225119.